The following is an entry in ClinVar:

ClinVar aggregate classification (germline): Uncertain significance. Review status: criteria provided, multiple submitters, no conflicts (2 of 4 stars). 4 submissions from 3 submitters: Uncertain significance (4). Last evaluated 2025-09-22.

Conditions:
Inborn genetic diseases. Identifiers: MedGen C0950123, MeSH D030342.
Seckel syndrome 1 (SCKL1). Also called: MICROCEPHALIC PRIMORDIAL DWARFISM I. Identifiers: Orphanet 808, MedGen C4551474, MONDO:0008869, OMIM 210600.
Familial cutaneous telangiectasia and oropharyngeal predisposition cancer syndrome. Identifiers: Orphanet 313846, MedGen C3281203, MONDO:0013806, OMIM 614564.

Allele frequency attached by ClinVar (database versions not stated): gnomAD 0.00001; TOPMed 0.00001.
gnomAD v4.1: 1 of 1,613,976 alleles (0.000062%); highest among the groups gnomAD compares: African/African-American, 0.0013%; no homozygotes.

Submissions (4):

Ambry Genetics
Classification: Uncertain significance for Inborn genetic diseases. Last evaluated: 2025-09-22. Review status: criteria provided, single submitter. Criteria: Ambry Variant Classification Scheme 2023. Collection method: clinical testing. Allele origin: germline.

Genome-Nilou Lab
Classification: Uncertain significance for Seckel syndrome 1. Last evaluated: 2023-02-08. Review status: criteria provided, single submitter. Criteria: ACMG Guidelines, 2015. Collection method: clinical testing. Allele origin: germline.

Genome-Nilou Lab
Classification: Uncertain significance for Familial cutaneous telangiectasia and oropharyngeal predisposition cancer syndrome. Last evaluated: 2023-02-08. Review status: criteria provided, single submitter. Criteria: ACMG Guidelines, 2015. Collection method: clinical testing. Allele origin: germline.

Labcorp Genetics (formerly Invitae), Labcorp
Classification: Uncertain significance. Last evaluated: 2020-11-21. Review status: criteria provided, single submitter. Criteria: Invitae Variant Classification Sherloc (09022015). Collection method: clinical testing. Allele origin: germline.
Comment: In summary, the available evidence is currently insufficient to determine the role of this variant in disease. Therefore, it has been classified as a Variant of Uncertain Significance. Algorithms developed to predict the effect of missense changes on protein structure and function (SIFT, PolyPhen-2, Align-GVGD) all suggest that this variant is likely to be tolerated, but these predictions have not been confirmed by published functional studies and their clinical significance is uncertain. This variant has not been reported in the literature in individuals with ATR-related disease. This variant is not present in population databases (ExAC no frequency). This sequence change replaces tyrosine with histidine at codon 656 of the ATR protein (p.Tyr656His). The tyrosine residue is moderately conserved and there is a moderate physicochemical difference between tyrosine and histidine.

NM_001184.4(ATR):c.1966T>C (p.Tyr656His)

Gene: ATR (ATR checkpoint kinase; minus strand). Cytogenetic location: 3q23.
Variant type: single nucleotide variant.
Coding change: c.1966T>C on transcript NM_001184.4 (MANE Select); coding-DNA position 1966, T replaced by C.
Protein change: p.Tyr656His; replaces tyrosine 656 with histidine.
Molecular consequence: missense variant.
Genome position (GRCh38, 1-based): chr3:142,556,495, A>G on the plus strand (T>C on the coding strand, the complement: ATR is on the minus strand). VCF-style: chr3-142556495-A-G. GRCh37 (hg19) VCF-style: chr3-142275337-A-G.
Other names: c.1774T>C, p.Tyr592His (NM_001354579.2); short protein forms Y592H, Y656H.
Identifiers: ClinVar variation 1512759 (VCV001512759.11), dbSNP rs1052378174, ClinGen allele CA84748729.